The following is an entry in ClinVar:

NM_022450.5(RHBDF1):c.47A>C (p.Lys16Thr)

Gene: RHBDF1 (rhomboid 5 homolog 1; minus strand). Cytogenetic location: 16p13.3.
Variant type: single nucleotide variant.
Coding change: c.47A>C on transcript NM_022450.5 (MANE Select); coding-DNA position 47, A replaced by C.
Protein change: p.Lys16Thr; replaces lysine 16 with threonine.
Molecular consequence: missense variant.
Genome position (GRCh38, 1-based): chr16:64,969, T>G on the plus strand (A>C on the coding strand, the complement: RHBDF1 is on the minus strand). VCF-style: chr16-64969-T-G. GRCh37 (hg19) VCF-style: chr16-114967-T-G.
Other names: short protein forms K16T.
Identifiers: ClinVar variation 487618 (VCV000487618.1), dbSNP rs999812302, ClinGen allele CA394024424.
Genomic context (GRCh38, chr16:64,969, plus strand): 5'-CTGGGCTCTTCTGCCGTCAGGGGCACCGCAGAGGGAATGTCCAGCTTTAGCCAGGGTGGC[T>G]TCTTGCGCTGCAGGCTGCTCGTGCTGTCCCTGCGGGCCTCACTCATGGTTCCTGGCAGAG-3'
Protein context (NP_071895.3, residues 6-26): RDSTSSLQRK[Lys16Thr]PPWLKLDIPS

ClinVar aggregate classification (germline): Uncertain significance (0 of 4 stars; one submission).

Conditions:
Wolff-Parkinson-White pattern. Also called: WPW SYNDROME; Auriculoventricular accessory pathway syndrome; False bundle branch block syndrome; Anomalous ventricular excitation syndrome. Identifiers: MedGen C0043202, MONDO:0008685, OMIM 194200, HP:0001716.

Submission:

Lupski Lab, Baylor-Hopkins CMG, Baylor College of Medicine
Classification: Uncertain significance for Wolff-Parkinson-White pattern. Last evaluated: 2017-07-14. Review status: no assertion criteria provided. Collection method: research. Allele origin: somatic. Affected: yes. Observed: 1 variant allele. Study: Candidate_variants_in_patients_with_ Wolff-Parkinson-White Syndrome.